The following is an entry in ClinVar:

ClinVar aggregate classification (germline): Conflicting classifications of pathogenicity. Review status: criteria provided, conflicting classifications (1 of 4 stars). 5 submissions from 5 submitters: Uncertain significance (3); Likely benign (2). Last evaluated 2025-12-11.

Conditions:
Leukodystrophy and acquired microcephaly with or without dystonia;. Also called: Leukodystrophy and acquired microcephaly with or without dystonia. Identifiers: MedGen C4225213, MONDO:0014766, OMIM 616763.

Allele frequency attached by ClinVar (database versions not stated): ESP Exome Variant Server 0.00015; 1000 Genomes Project 30x 0.00016; 1000 Genomes Project 0.00020; gnomAD 0.00021 and 0.00022; gnomAD exomes 0.00023; TOPMed 0.00026; ExAC 0.00027.
gnomAD v4.1: 265 of 1,613,948 alleles (0.016%); highest among the groups gnomAD compares: Non-Finnish European, 0.019%; no homozygotes.

Submissions (5):

Labcorp Genetics (formerly Invitae), Labcorp
Classification: Uncertain significance. Last evaluated: 2025-12-11. Review status: criteria provided, single submitter. Criteria: Invitae Variant Classification Sherloc (09022015). Collection method: clinical testing. Allele origin: germline.
Comment: This sequence change replaces alanine, which is neutral and non-polar, with threonine, which is neutral and polar, at codon 1003 of the PLEKHG2 protein (p.Ala1003Thr). This variant is present in population databases (rs372208970, gnomAD 0.04%). This variant has not been reported in the literature in individuals affected with PLEKHG2-related conditions. ClinVar contains an entry for this variant (Variation ID: 982660). An algorithm developed to predict the effect of missense changes on protein structure and function outputs the following: PolyPhen-2: "Benign". The threonine amino acid residue is found in multiple mammalian species, which suggests that this missense change does not adversely affect protein function. In summary, the available evidence is currently insufficient to determine the role of this variant in disease. Therefore, it has been classified as a Variant of Uncertain Significance.

GeneDx
Classification: Uncertain significance. Last evaluated: 2022-12-13. Review status: criteria provided, single submitter. Criteria: GeneDx Variant Classification Process June 2021. Collection method: clinical testing. Allele origin: germline. Affected: yes.
Comment: In silico analysis supports that this missense variant does not alter protein structure/function; Has not been previously published as pathogenic or benign to our knowledge; Variants in candidate genes are classified as variants of uncertain significance in accordance with ACMG guidelines (Richards et al., 2015)

CeGaT Center for Human Genetics Tuebingen
Classification: Likely benign. Last evaluated: 2022-09-01. Review status: criteria provided, single submitter. Criteria: CeGaT Center For Human Genetics Tuebingen Variant Classification Criteria Version 2. Collection method: clinical testing. Allele origin: germline. Affected: yes. Observed: 1 variant allele.
Comment: PLEKHG2: BP4

Ambry Genetics
Classification: Likely benign. Last evaluated: 2022-07-14. Review status: criteria provided, single submitter. Criteria: Ambry Variant Classification Scheme 2023. Collection method: clinical testing. Allele origin: germline.

Institute of Human Genetics, University of Leipzig Medical Center
Classification: Uncertain significance for Leukodystrophy and acquired microcephaly with or without dystonia;. Last evaluated: 2019-01-01. Review status: criteria provided, single submitter. Criteria: ACMG Guidelines, 2015. Collection method: clinical testing. Allele origin: unknown. Affected: no.
Comment: This variant was identified as compound heterozygous.

NM_022835.3(PLEKHG2):c.3007G>A (p.Ala1003Thr)

Gene: PLEKHG2 (pleckstrin homology and RhoGEF domain containing G2; plus strand). Cytogenetic location: 19q13.2.
Variant type: single nucleotide variant.
Coding change: c.3007G>A on transcript NM_022835.3 (MANE Select); coding-DNA position 3007, G replaced by A.
Protein change: p.Ala1003Thr; replaces alanine 1003 with threonine.
Molecular consequence: missense variant. On other transcripts: intron variant (1).
Genome position (GRCh38, 1-based): chr19:39,424,140, G>A. VCF-style: chr19-39424140-G-A. GRCh37 (hg19) VCF-style: chr19-39914780-G-A.
Other names: c.2830G>A, p.Ala944Thr (NM_001351693.2); c.1678-1098G>A (NM_001351694.2); short protein forms A1003T, A944T.
Identifiers: ClinVar variation 982660 (VCV000982660.31), dbSNP rs372208970, ClinGen allele CA9429911.